The following is an entry in ClinVar:

ClinVar aggregate classification (germline): Conflicting classifications of pathogenicity. Review status: criteria provided, conflicting classifications (1 of 4 stars). 4 submissions from 4 submitters: Uncertain significance (3); Likely benign (1). Last evaluated 2024-08-13.

Conditions:
Hereditary cancer-predisposing syndrome. Also called: Hereditary Cancer Syndrome; Hereditary neoplastic syndrome; Neoplastic Syndromes, Hereditary; Tumor predisposition. Identifiers: Orphanet 140162, MedGen C0027672, MeSH D009386, MONDO:0015356.
Hereditary breast ovarian cancer syndrome. Also called: BRCA1- and BRCA2-Associated Hereditary Breast and Ovarian Cancer; Hereditary breast and ovarian cancer syndrome (HBOC); Hereditary breast and ovarian cancer; Hereditary breast and ovarian cancer syndrome; Breast and ovarian cancer; Hereditary breast and/or ovarian cancer syndrome. Identifiers: Orphanet 145, MedGen C0677776, MeSH D061325, MONDO:0003582. Disease mechanism: loss of function.

Submissions (4):

Color Diagnostics, LLC DBA Color Health
Classification: Uncertain significance for Hereditary cancer-predisposing syndrome. Last evaluated: 2024-08-13. Review status: criteria provided, single submitter. Criteria: ACMG Guidelines, 2015. Collection method: clinical testing. Allele origin: germline.
Comment: This missense variant replaces asparagine with isoleucine at codon 569 of the BRCA1 protein. Computational prediction suggests that this variant may not impact protein structure and function. To our knowledge, functional studies have not been reported for this variant. This variant has not been reported in individuals affected with BRCA1-related disorders in the literature. This variant has not been identified in the general population by the Genome Aggregation Database (gnomAD). The available evidence is insufficient to determine the role of this variant in disease conclusively. Therefore, this variant is classified as a Variant of Uncertain Significance.

University of Washington Department of Laboratory Medicine, University of Washington
Classification: Likely benign for Hereditary cancer-predisposing syndrome. Last evaluated: 2023-03-23. Review status: criteria provided, single submitter. Criteria: Dines et al. (Genet Med. 2020). Collection method: curation. Allele origin: germline.
Comment: Missense variant in a coldspot region where missense variants are very unlikely to be pathogenic (PMID:31911673).

BRCA1 coldspot (exon 11 using historical exon numbering). Reclassification based on statistical prior probability

Ambry Genetics
Classification: Uncertain significance for Hereditary cancer-predisposing syndrome. Last evaluated: 2021-05-28. Review status: criteria provided, single submitter. Criteria: Ambry Variant Classification Scheme 2023. Collection method: clinical testing. Allele origin: germline.
Comment: The p.N569I variant (also known as c.1706A>T), located in coding exon 9 of the BRCA1 gene, results from an A to T substitution at nucleotide position 1706. The asparagine at codon 569 is replaced by isoleucine, an amino acid with dissimilar properties. This amino acid position is not well conserved in available vertebrate species. In addition, the in silico prediction for this alteration is inconclusive. Since supporting evidence is limited at this time, the clinical significance of this alteration remains unclear.

Labcorp Genetics (formerly Invitae), Labcorp
Classification: Uncertain significance for Hereditary breast ovarian cancer syndrome. Last evaluated: 2016-04-01. Review status: criteria provided, single submitter. Criteria: Invitae Variant Classification Sherloc (09022015). Collection method: clinical testing. Allele origin: germline.
Comment: Algorithms developed to predict the effect of missense changes on protein structure and function (SIFT, PolyPhen-2, Align-GVGD) all suggest that this variant is likely to be tolerated, but these predictions have not been confirmed by published functional studies. In summary, this variant is a novel missense change that is not predicted to affect protein function. There is no indication that it causes disease, but the available evidence is currently insufficient to prove that conclusively. Therefore, it has been classified as a Variant of Uncertain Significance. This variant is not present in population databases (ExAC no frequency) and has not been reported in the literature in individuals with a BRCA1-related disease. This sequence change replaces asparagine with isoleucine at codon 569 of the BRCA1 protein (p.Asn569Ile). The asparagine residue is moderately conserved and there is a large physicochemical difference between asparagine and isoleucine.

NM_007294.4(BRCA1):c.1706A>T (p.Asn569Ile)

Gene: BRCA1 (BRCA1 DNA repair associated; minus strand). Cytogenetic location: 17q21.31.
Variant type: single nucleotide variant.
Coding change: c.1706A>T on transcript NM_007294.4 (MANE Select); coding-DNA position 1706, A replaced by T.
Protein change: p.Asn569Ile; replaces asparagine 569 with isoleucine.
Molecular consequence: missense variant. On other transcripts: intron variant (137).
Genome position (GRCh38, 1-based): chr17:43,093,825, T>A on the plus strand (A>T on the coding strand, the complement: BRCA1 is on the minus strand). VCF-style: chr17-43093825-T-A. GRCh37 (hg19) VCF-style: chr17-41245842-T-A.
Other names: c.1493A>T, p.Asn498Ile (NM_001407571.1, NM_001407853.1, NM_001407894.1 and 9 more transcripts); c.1706A>T, p.Asn569Ile (NM_001407581.1, NM_001407582.1, NM_001407583.1 and 30 more transcripts); c.1703A>T, p.Asn568Ile (NM_001407587.1, NM_001407590.1, NM_001407591.1 and 22 more transcripts); c.1697A>T, p.Asn566Ile (NM_001407646.1, NM_001407647.1); c.1583A>T, p.Asn528Ile (NM_001407648.1, NM_001407664.1, NM_001407665.1 and 19 more transcripts); c.1580A>T, p.Asn527Ile (NM_001407649.1, NM_001407670.1, NM_001407671.1 and 11 more transcripts); c.1628A>T, p.Asn543Ile (NM_001407653.1, NM_001407654.1, NM_001407655.1 and 4 more transcripts); c.1625A>T, p.Asn542Ile (NM_001407659.1, NM_001407660.1, NM_001407661.1 and 1 more transcripts); and 40 more; short protein forms N569I, N522I, N480I, N498I, N499I, N542I, N568I, N441I.
Identifiers: ClinVar variation 409304 (VCV000409304.15), dbSNP rs1060502329, ClinGen allele CA10598614.